The following is an entry in ClinVar:

ClinVar aggregate classification (germline): Uncertain significance. Review status: criteria provided, multiple submitters, no conflicts (2 of 4 stars). 3 submissions from 3 submitters: Uncertain significance (3). Last evaluated 2025-05-19.

Conditions:
Inborn genetic diseases. Identifiers: MedGen C0950123, MeSH D030342.
Congenital myasthenic syndrome 5. Identifiers: Orphanet 590, MedGen C1864233, MONDO:0011281, OMIM 603034.

Allele frequency attached by ClinVar (database versions not stated): gnomAD exomes below 0.00001 and 0.00001; ExAC 0.00001; gnomAD 0.00012 and 0.00013; TOPMed 0.00015.
gnomAD v4.1: 25 of 1,613,708 alleles (0.0015%); highest among the groups gnomAD compares: African/African-American, 0.031%; no homozygotes.

Submissions (3):

Ambry Genetics
Classification: Uncertain significance for Inborn genetic diseases. Last evaluated: 2025-05-19. Review status: criteria provided, single submitter. Criteria: Ambry Variant Classification Scheme 2023. Collection method: clinical testing. Allele origin: germline.

Labcorp Genetics (formerly Invitae), Labcorp
Classification: Uncertain significance for Congenital myasthenic syndrome 5. Last evaluated: 2024-01-12. Review status: criteria provided, single submitter. Criteria: Invitae Variant Classification Sherloc (09022015). Collection method: clinical testing. Allele origin: germline.
Comment: This sequence change replaces tyrosine, which is neutral and polar, with histidine, which is basic and polar, at codon 363 of the COLQ protein (p.Tyr363His). This variant is present in population databases (rs756508281, gnomAD 0.02%). This variant has not been reported in the literature in individuals affected with COLQ-related conditions. ClinVar contains an entry for this variant (Variation ID: 500422). Advanced modeling of protein sequence and biophysical properties (such as structural, functional, and spatial information, amino acid conservation, physicochemical variation, residue mobility, and thermodynamic stability) performed at Invitae indicates that this missense variant is not expected to disrupt COLQ protein function with a negative predictive value of 80%. In summary, the available evidence is currently insufficient to determine the role of this variant in disease. Therefore, it has been classified as a Variant of Uncertain Significance.

Eurofins Ntd Llc (ga)
Classification: Uncertain significance. Last evaluated: 2017-02-09. Review status: criteria provided, single submitter. Criteria: EGL Classification Definitions 2015. Collection method: clinical testing. Allele origin: germline. Observed: 1 variant allele, 1 heterozygote.

NM_005677.4(COLQ):c.1087T>C (p.Tyr363His)

Gene: COLQ (collagen like tail subunit of asymmetric acetylcholinesterase; minus strand). Cytogenetic location: 3p25.1.
Variant type: single nucleotide variant.
Coding change: c.1087T>C on transcript NM_005677.4 (MANE Select); coding-DNA position 1087, T replaced by C.
Protein change: p.Tyr363His; replaces tyrosine 363 with histidine.
Molecular consequence: missense variant.
Genome position (GRCh38, 1-based): chr3:15,456,007, A>G on the plus strand (T>C on the coding strand, the complement: COLQ is on the minus strand). VCF-style: chr3-15456007-A-G. GRCh37 (hg19) VCF-style: chr3-15497514-A-G.
Other names: c.1057T>C, p.Tyr353His (NM_080538.2); c.985T>C, p.Tyr329His (NM_080539.4); short protein forms Y363H, Y329H, Y353H.
Identifiers: ClinVar variation 500422 (VCV000500422.17), dbSNP rs756508281, ClinGen allele CA2275873.